The following is an entry in ClinVar:

NM_001369.3(DNAH5):c.9620del (p.Leu3207fs)

Gene: DNAH5 (dynein axonemal heavy chain 5; minus strand). Cytogenetic location: 5p15.2.
Variant type: Deletion.
Coding change: c.9620del on transcript NM_001369.3 (MANE Select); coding-DNA position 9620, one base deleted (T; older notation c.9620delT).
Protein change: p.Leu3207fs; shifts the reading frame from leucine 3207.
Molecular consequence: frameshift variant.
Genome position (GRCh38, 1-based): chr5:13,769,601, A deleted on the plus strand (T on the coding strand, the reverse complement: DNAH5 is on the minus strand); the first of 2 consecutive A bases (chr5:13,769,601-13,769,602); deleting either gives the same sequence. VCF-style (leftmost placement, unchanged base first): chr5-13769600-CA-C. GRCh37 (hg19) VCF-style: chr5-13769709-CA-C.
Other names: c.9620delT (NM_001369.2); short protein forms L3207fs.
Identifiers: ClinVar variation 579428 (VCV000579428.13), dbSNP rs769691641, ClinGen allele CA3202478.

ClinVar aggregate classification (germline): Pathogenic/Likely pathogenic. Review status: criteria provided, multiple submitters, no conflicts (2 of 4 stars). 5 submissions from 5 submitters: Pathogenic (3); Likely pathogenic (2). Last evaluated 2025-10-07.

Conditions:
Primary ciliary dyskinesia 3. Identifiers: Orphanet 244, MedGen C1837618, MONDO:0012085, OMIM 608644.
DNAH5-related disorder. Also called: DNAH5-related condition.
Primary ciliary dyskinesia. Also called: Ciliary dyskinesia. Identifiers: Orphanet 244, MedGen C0008780, MONDO:0016575, HP:0012265.

Submissions (5):

PreventionGenetics, part of Exact Sciences
Classification: Pathogenic for DNAH5-related condition. Last evaluated: 2025-10-07. Review status: criteria provided, single submitter. Criteria: ACMG Guidelines, 2015. Collection method: clinical testing. Allele origin: germline.
Comment: The DNAH5 c.9620delT variant is predicted to result in a frameshift and premature protein termination (p.Leu3207Trpfs*14). To our knowledge, this variant has not been reported in literature. This variant is reported in 0.012% of alleles in individuals of African descent in gnomAD and is classified as likely pathogenic or pathogenic in ClinVar (Variation ID: 579428). Frameshift variants in DNAH5 are expected to be pathogenic. This variant is interpreted as pathogenic.

Ambry Genetics
Classification: Pathogenic for Primary ciliary dyskinesia. Last evaluated: 2025-09-24. Review status: criteria provided, single submitter. Criteria: Ambry Variant Classification Scheme 2023. Collection method: clinical testing. Allele origin: germline.
Comment: The c.9620delT pathogenic mutation, located in coding exon 57 of the DNAH5 gene, results from a deletion of one nucleotide at nucleotide position 9620, causing a translational frameshift with a predicted alternate stop codon (p.L3207Wfs*14). This alteration is expected to result in loss of function by premature protein truncation or nonsense-mediated mRNA decay. As such, this alteration is interpreted as a disease-causing mutation.

Natera, Inc.
Classification: Likely pathogenic for Primary ciliary dyskinesia. Last evaluated: 2025-08-27. Review status: criteria provided, single submitter. Criteria: Natera Variant Classification Schema (03/2026). Collection method: clinical testing. Allele origin: germline.
Comment: The c.9620delT variant in DNAH5 is a frameshift variant predicted to shift the reading frame beginning at codon 3207 and leads to a stop codon 14 codons downstream. This variant is expected to result in nonsense mediated decay, truncation, or a dysfunctional protein product. This variant is rare in the general population with a frequency below the threshold expected for the associated phenotype(s). Given the available evidence, this variant is classified as Likely Pathogenic.

Labcorp Genetics (formerly Invitae), Labcorp
Classification: Pathogenic for Primary ciliary dyskinesia. Last evaluated: 2025-06-26. Review status: criteria provided, single submitter. Criteria: Invitae Variant Classification Sherloc (09022015). Collection method: clinical testing. Allele origin: germline.
Comment: This sequence change creates a premature translational stop signal (p.Leu3207Trpfs*14) in the DNAH5 gene. It is expected to result in an absent or disrupted protein product. Loss-of-function variants in DNAH5 are known to be pathogenic (PMID: 11788826, 16627867). This variant is present in population databases (rs769691641, gnomAD 0.01%). This variant has not been reported in the literature in individuals affected with DNAH5-related conditions. ClinVar contains an entry for this variant (Variation ID: 579428). For these reasons, this variant has been classified as Pathogenic.

Fulgent Genetics
Classification: Likely pathogenic for Primary ciliary dyskinesia 3. Last evaluated: 2024-04-17. Review status: criteria provided, single submitter. Criteria: ACMG Guidelines, 2015. Collection method: clinical testing. Allele origin: germline.

Literature cited by the submitters: PubMed 11788826 (cited by Labcorp Genetics (formerly Invitae), Labcorp); PubMed 16627867 (cited by Labcorp Genetics (formerly Invitae), Labcorp).